The following is an entry in ClinVar:

NC_012920.1(MT-CYB):m.14841A>G

Gene: MT-CYB (mitochondrially encoded cytochrome b; plus strand).
Variant type: single nucleotide variant.
Genome position: chrM-14841-A-G.
Identifiers: ClinVar variation 693776 (VCV000693776.1), dbSNP rs1556424497, ClinGen allele CA913172241.
Genomic context (GRCh38, chrMT:14,841, plus strand): 5'-AATTAATTAACCACTCATTCATCGACCTCCCCACCCCATCCAACATCTCCGCATGATGAA[A>G]CTTCGGCTCACTCCTTGGCGCCTGCCTGATCCTCCAAATCACCACAGGACTATTCCTAGC-3'

ClinVar aggregate classification (germline): Likely benign (1 of 4 stars; one submission).

Conditions:
Leigh syndrome (NULS). Also called: Leigh's necrotizing encephalopathy; Leigh's disease; Leigh's syndrome; LEIGH SYNDROME, NUCLEAR; Leigh Syndrome (mtDNA deletion); Leigh Disease. Identifiers: Orphanet 506, MedGen C2931891, MONDO:0009723, OMIM 256000.

Submission:

Wong Mito Lab, Molecular and Human Genetics, Baylor College of Medicine
Classification: Likely benign for Leigh syndrome. Last evaluated: 2019-10-17. Review status: criteria provided, single submitter. Criteria: Modified ACMG Guidelines (Unpublished). Collection method: clinical testing. Allele origin: germline.
Comment: The NC_012920.1:m.14841A>G (YP_003024038.1:p.Asn32Ser) variant in MTCYB gene is interpretated to be a Likely Benign variant based on the modified ACMG guidelines (unpublished). This variant meets the following evidence codes: BS1, BP5, BP6

Literature cited by the submitters: PubMed 19555656.